The following is an entry in ClinVar:

ClinVar aggregate classification (germline): Uncertain significance (1 of 4 stars; one submission).

Conditions:
Hereditary cancer-predisposing syndrome. Also called: Tumor predisposition; Hereditary Cancer Syndrome; Hereditary neoplastic syndrome; Neoplastic Syndromes, Hereditary. Identifiers: Orphanet 140162, MedGen C0027672, MeSH D009386, MONDO:0015356.

Submissions (2):

Ambry Genetics
Classification: Uncertain significance for Hereditary cancer-predisposing syndrome. Last evaluated: 2024-11-15. Review status: criteria provided, single submitter. Criteria: Ambry Variant Classification Scheme 2023. Collection method: clinical testing. Allele origin: germline.
Comment: The p.V1714L variant (also known as c.5140G>C), located in coding exon 16 of the BRCA1 gene, results from a G to C substitution at nucleotide position 5140. The valine at codon 1714 is replaced by leucine, an amino acid with highly similar properties. One functional study found that this nucleotide substitution is functional in a high throughput genome editing haploid cell survival assay (Findlay GM et al. Nature, 2018 Oct;562:217-222). This amino acid position is highly conserved in available vertebrate species. In addition, this alteration is predicted to be deleterious by in silico analysis. Based on the available evidence, the clinical significance of this variant remains unclear.

Brotman Baty Institute, University of Washington
No classification provided (evidence only). Condition: Breast-ovarian cancer, familial 1. Review status: no classification provided. Collection method: in vitro. Allele origin: not applicable. Functional consequence: functionally_normal. Not counted in ClinVar's aggregate classification.
ClinVar note: "not provided" was previously submitted as the classification for the variant. However, the classification appeared to be based only on an observation of functional data so it was converted to no classification on 2025-07-30.

Literature cited by the submitters: PubMed 30209399 (cited by Ambry Genetics).

NM_007294.4(BRCA1):c.5140G>C (p.Val1714Leu)

Gene: BRCA1 (BRCA1 DNA repair associated; minus strand). Cytogenetic location: 17q21.31.
Variant type: single nucleotide variant.
Coding change: c.5140G>C on transcript NM_007294.4 (MANE Select); coding-DNA position 5140, G replaced by C.
Protein change: p.Val1714Leu; replaces valine 1714 with leucine.
Molecular consequence: missense variant. On other transcripts: non-coding transcript variant (1).
Genome position (GRCh38, 1-based): chr17:43,063,886, C>G on the plus strand (G>C on the coding strand, the complement: BRCA1 is on the minus strand). VCF-style: chr17-43063886-C-G. GRCh37 (hg19) VCF-style: chr17-41215903-C-G.
Other names: c.1705G>C, p.Val569Leu (NM_001408435.1, NM_001408432.1, NM_001408433.1 and 10 more transcripts); c.1702G>C, p.Val568Leu (NM_001408446.1, NM_001408447.1, NM_001408448.1 and 2 more transcripts); c.1696G>C, p.Val566Leu (NM_001408451.1); c.1690G>C, p.Val564Leu (NM_001408452.1, NM_001408453.1, NM_001408454.1 and 3 more transcripts); c.1687G>C, p.Val563Leu (NM_001408466.1, NM_001408467.1, NM_001408458.1 and 7 more transcripts); c.1684G>C, p.Val562Leu (NM_001408468.1, NM_001408469.1, NM_001408470.1); c.1828G>C, p.Val610Leu (NM_001408472.1, NM_007298.4, NM_007299.4 and 13 more transcripts); c.1825G>C, p.Val609Leu (NM_001408473.1, NM_001408392.1, NM_001408396.1 and 8 more transcripts); and 71 more; short protein forms V1667L, V610L, V1735L, V1714L, V845L, V1560L, V1585L, V1586L.
Identifiers: ClinVar variation 865011 (VCV000865011.4), dbSNP rs1567769244, ClinGen allele CA10591262.